The following is an entry in ClinVar:

ClinVar aggregate classification (germline): Uncertain significance (1 of 4 stars; one submission).

Conditions:
Aortic aneurysm, familial thoracic 7 (AAT7). Also called: AORTIC DISSECTION, FAMILIAL, WITH OR WITHOUT AORTIC ANEURYSM. Identifiers: MedGen C3151077, MONDO:0013418, OMIM 613780.

Allele frequency attached by ClinVar (database versions not stated): gnomAD exomes below 0.00001 and 0.00002; ExAC 0.00001; TOPMed 0.00001.
gnomAD v4.1: 31 of 1,609,998 alleles (0.0019%); highest among the groups gnomAD compares: Non-Finnish European, 0.0025%; no homozygotes.

Submission:

Labcorp Genetics (formerly Invitae), Labcorp
Classification: Uncertain significance for Aortic aneurysm, familial thoracic 7. Last evaluated: 2017-06-16. Review status: criteria provided, single submitter. Criteria: Invitae Variant Classification Sherloc (09022015). Collection method: clinical testing. Allele origin: germline.
Comment: This sequence change replaces tryptophan with arginine at codon 754 of the MYLK protein (p.Trp754Arg). The tryptophan residue is highly conserved and there is a moderate physicochemical difference between tryptophan and arginine. This variant is present in population databases (rs774187263, ExAC 0.001%). This variant has not been reported in the literature in individuals with a MYLK-related disease. Algorithms developed to predict the effect of missense changes on protein structure and function do not agree on the potential impact of this missense change (SIFT: "Deleterious"; PolyPhen-2: "Benign"; Align-GVGD: "Class C65"). In summary, this variant has uncertain impact on MYLK function. The available evidence is currently insufficient to determine its role in disease. Therefore, it has been classified as a Variant of Uncertain Significance.

NM_053025.4(MYLK):c.2260T>C (p.Trp754Arg)

Gene: MYLK (myosin light chain kinase; minus strand). Cytogenetic location: 3q21.1.
Variant type: single nucleotide variant.
Coding change: c.2260T>C on transcript NM_053025.4 (MANE Select); coding-DNA position 2260, T replaced by C.
Protein change: p.Trp754Arg; replaces tryptophan 754 with arginine.
Molecular consequence: missense variant.
Genome position (GRCh38, 1-based): chr3:123,707,884, A>G on the plus strand (T>C on the coding strand, the complement: MYLK is on the minus strand). VCF-style: chr3-123707884-A-G. GRCh37 (hg19) VCF-style: chr3-123426731-A-G.
Other names: c.1732T>C, p.Trp578Arg (NM_001321309.2); c.2053T>C, p.Trp685Arg (NM_053026.4, NM_053028.4); c.2260T>C, p.Trp754Arg (NM_053027.4); short protein forms W754R, W578R, W685R.
Identifiers: ClinVar variation 471708 (VCV000471708.8), dbSNP rs774187263, ClinGen allele CA068346.